The following is an entry in ClinVar:

NM_015459.5(ATL3):c.457G>A (p.Val153Met)

Genes: ATL3 (atlastin GTPase 3; minus strand), LNCROPM (lncRNA regulator of PLAAT3 mediated phospholipid metabolism; plus strand). Cytogenetic location: 11q13.1.
Variant type: single nucleotide variant.
Coding change: c.457G>A on transcript NM_015459.5 (MANE Select); coding-DNA position 457, G replaced by A.
Protein change: p.Val153Met; replaces valine 153 with methionine.
Molecular consequence: missense variant.
Genome position (GRCh38, 1-based): chr11:63,652,524, C>T on the plus strand (G>A on the coding strand, the complement: ATL3 is on the minus strand). VCF-style: chr11-63652524-C-T. GRCh37 (hg19) VCF-style: chr11-63419996-C-T.
Other names: c.403G>A, p.Val135Met (NM_001290048.2); short protein forms V135M, V153M.
Identifiers: ClinVar variation 1010160 (VCV001010160.8), dbSNP rs1028428171, ClinGen allele CA223748159.
Genomic context (GRCh38, chr11:63,652,524, plus strand): 5'-TTTTTACCTGAACAGAACTAGTCATAGTGCTTAGAGCAAAGATGGTAGCACAGTCTTTCA[C>T]AGTTGACTGGCTGTCAAATGCCCCCTGGGTATCCATCAGAACAACTGCAACCTAAAAAAA-3'
Protein context (NP_056274.3, residues 143-163): TQGAFDSQST[Val153Met]KDCATIFALS

ClinVar aggregate classification (germline): Uncertain significance (1 of 4 stars; one submission).

Conditions:
Neuropathy, hereditary sensory, type 1F. Also called: HSN IF; Hereditary sensory neuropathy type IF. Identifiers: Orphanet 36386, MedGen C3810194, MONDO:0014286, OMIM 615632.

Submission:

Labcorp Genetics (formerly Invitae), Labcorp
Classification: Uncertain significance for Neuropathy, hereditary sensory, type 1F. Last evaluated: 2025-01-26. Review status: criteria provided, single submitter. Criteria: Invitae Variant Classification Sherloc (09022015). Collection method: clinical testing. Allele origin: germline.
Comment: This sequence change replaces valine, which is neutral and non-polar, with methionine, which is neutral and non-polar, at codon 153 of the ATL3 protein (p.Val153Met). This variant is not present in population databases (gnomAD no frequency). This variant has not been reported in the literature in individuals affected with ATL3-related conditions. ClinVar contains an entry for this variant (Variation ID: 1010160). Invitae Evidence Modeling of protein sequence and biophysical properties (such as structural, functional, and spatial information, amino acid conservation, physicochemical variation, residue mobility, and thermodynamic stability) indicates that this missense variant is not expected to disrupt ATL3 protein function with a negative predictive value of 80%. In summary, the available evidence is currently insufficient to determine the role of this variant in disease. Therefore, it has been classified as a Variant of Uncertain Significance.